The following is an entry in ClinVar:

NM_006563.5(KLF1):c.*254C>T

Gene: KLF1 (KLF transcription factor 1; minus strand). Cytogenetic location: 19p13.13.
Variant type: single nucleotide variant.
Coding change: c.*254C>T on transcript NM_006563.5 (MANE Select); 254 bases downstream of the stop codon, C replaced by T.
Molecular consequence: 3 prime UTR variant.
Genome position (GRCh38, 1-based): chr19:12,884,631, G>A on the plus strand (C>T on the coding strand, the complement: KLF1 is on the minus strand). VCF-style: chr19-12884631-G-A. GRCh37 (hg19) VCF-style: chr19-12995445-G-A.
Identifiers: ClinVar variation 328310 (VCV000328310.5), dbSNP rs564687827, ClinGen allele CA10651537.

ClinVar aggregate classification (germline): Benign (1 of 4 stars; one submission).

Conditions:
Anemia, congenital dyserythropoietic, type IVa. Also called: Congenital dyserythropoietic anemia type 4; Congenital dyserythropoietic anemia, type IV; CDA, TYPE IVa. Identifiers: Orphanet 293825, MedGen C3150926, MONDO:0013355, OMIM 613673.

Allele frequency attached by ClinVar (database versions not stated): gnomAD 0.00078 and 0.00081; 1000 Genomes Project 30x 0.00141; TOPMed 0.00081; 1000 Genomes Project 0.00100.

Submission:

Illumina Laboratory Services, Illumina
Classification: Benign for Anemia, congenital dyserythropoietic, type IVa. Last evaluated: 2018-01-13. Review status: criteria provided, single submitter. Criteria: ICSL Variant Classification Criteria 13 December 2019. Collection method: clinical testing. Allele origin: germline.
Comment: This variant was observed in the ICSL laboratory as part of a predisposition screen in an ostensibly healthy population. It had not been previously curated by ICSL or reported in the Human Gene Mutation Database (HGMD: prior to June 1st, 2018), and was therefore a candidate for classification through an automated scoring system. Utilizing variant allele frequency, disease prevalence and penetrance estimates, and inheritance mode, an automated score was calculated to assess if this variant is too frequent to cause the disease. Based on the score and internal cut-off values, a variant classified as benign is not then subjected to further curation. The score for this variant resulted in a classification of benign for this disease.